The following is an entry in ClinVar:

ClinVar aggregate classification (germline): Uncertain significance (1 of 4 stars; one submission).

Conditions:
Autosomal recessive ataxia, Beauce type. Also called: Spinocerebellar ataxia, autosomal recessive 8; ATAXIA, RECESSIVE, OF BEAUCE; SYNE1-Related Autosomal Recessive Cerebellar Ataxia; SYNE1 Deficiency. Identifiers: Orphanet 88644, MedGen C1853116, MONDO:0012549, OMIM 610743.
Emery-Dreifuss muscular dystrophy 4, autosomal dominant (EDMD4). Also called: EMERY-DREIFUSS MUSCULAR DYSTROPHY 4 WITH VARIABLE FEATURES. Identifiers: Orphanet 261, MedGen C2751807, MONDO:0013071, OMIM 612998.

Allele frequency attached by ClinVar (database versions not stated): gnomAD 0.00001; gnomAD exomes 0.00003 and 0.00004; TOPMed 0.00003; ExAC 0.00006.
gnomAD v4.1: 48 of 1,614,132 alleles (0.003%); highest among the groups gnomAD compares: Middle Eastern, 0.066%; 1 homozygote.

Submission:

Labcorp Genetics (formerly Invitae), Labcorp
Classification: Uncertain significance for Emery-Dreifuss muscular dystrophy 4, autosomal dominant; Autosomal recessive ataxia, Beauce type. Last evaluated: 2025-08-18. Review status: criteria provided, single submitter. Criteria: Invitae Variant Classification Sherloc (09022015). Collection method: clinical testing. Allele origin: germline.
Comment: This sequence change replaces cysteine, which is neutral and slightly polar, with phenylalanine, which is neutral and non-polar, at codon 1955 of the SYNE1 protein (p.Cys1955Phe). This variant is present in population databases (rs761812821, gnomAD 0.009%). This variant has not been reported in the literature in individuals affected with SYNE1-related conditions. ClinVar contains an entry for this variant (Variation ID: 971192). An algorithm developed to predict the effect of missense changes on protein structure and function (PolyPhen-2) suggests that this variant is likely to be disruptive. In summary, the available evidence is currently insufficient to determine the role of this variant in disease. Therefore, it has been classified as a Variant of Uncertain Significance.

NM_182961.4(SYNE1):c.5843G>T (p.Cys1948Phe)

Gene: SYNE1 (spectrin repeat containing nuclear envelope protein 1; minus strand). Cytogenetic location: 6q25.2.
Variant type: single nucleotide variant.
Coding change: c.5843G>T on transcript NM_182961.4 (MANE Select); coding-DNA position 5843, G replaced by T.
Protein change: p.Cys1948Phe; replaces cysteine 1948 with phenylalanine.
Molecular consequence: missense variant.
Genome position (GRCh38, 1-based): chr6:152,416,594, C>A on the plus strand (G>T on the coding strand, the complement: SYNE1 is on the minus strand). VCF-style: chr6-152416594-C-A. GRCh37 (hg19) VCF-style: chr6-152737729-C-A.
Other names: c.5864G>T, p.Cys1955Phe (NM_033071.5); short protein forms C1948F, C1955F.
Identifiers: ClinVar variation 971192 (VCV000971192.7), dbSNP rs761812821, ClinGen allele CA4058214.